The following is an entry in ClinVar:

NM_000553.6(WRN):c.3058C>T (p.Arg1020Cys)

Gene: WRN (WRN RecQ like helicase; plus strand). Cytogenetic location: 8p12.
Variant type: single nucleotide variant.
Coding change: c.3058C>T on transcript NM_000553.6 (MANE Select); coding-DNA position 3058, C replaced by T.
Protein change: p.Arg1020Cys; replaces arginine 1020 with cysteine.
Molecular consequence: missense variant.
Genome position (GRCh38, 1-based): chr8:31,141,520, C>T. VCF-style: chr8-31141520-C-T. GRCh37 (hg19) VCF-style: chr8-30999036-C-T.
Other names: short protein forms R1020C.
Identifiers: ClinVar variation 528137 (VCV000528137.9), dbSNP rs190364546, ClinGen allele CA4704926.

ClinVar aggregate classification (germline): Uncertain significance. Review status: criteria provided, multiple submitters, no conflicts (2 of 4 stars). 2 submissions from 2 submitters: Uncertain significance (2). Last evaluated 2025-11-23.

Conditions:
Werner syndrome (WRN). Identifiers: Orphanet 902, MedGen C0043119, MONDO:0010196, OMIM 277700.

Allele frequency attached by ClinVar (database versions not stated): 1000 Genomes Project 30x 0.00031; gnomAD 0.00007; TOPMed 0.00017; 1000 Genomes Project 0.00020; ExAC 0.00001; gnomAD exomes 0.00001.
gnomAD v4.1: 23 of 1,614,038 alleles (0.0014%); highest among the groups gnomAD compares: Admixed American, 0.025%; no homozygotes.

Submissions (2):

Labcorp Genetics (formerly Invitae), Labcorp
Classification: Uncertain significance for Werner syndrome. Last evaluated: 2025-11-23. Review status: criteria provided, single submitter. Criteria: Invitae Variant Classification Sherloc (09022015). Collection method: clinical testing. Allele origin: germline.
Comment: This sequence change replaces arginine, which is basic and polar, with cysteine, which is neutral and slightly polar, at codon 1020 of the WRN protein (p.Arg1020Cys). This variant is present in population databases (rs190364546, gnomAD 0.009%). This variant has not been reported in the literature in individuals affected with WRN-related conditions. ClinVar contains an entry for this variant (Variation ID: 528137). An algorithm developed to predict the effect of missense changes on protein structure and function outputs the following: PolyPhen-2: "Benign". The cysteine amino acid residue is found in multiple mammalian species, which suggests that this missense change does not adversely affect protein function. In summary, the available evidence is currently insufficient to determine the role of this variant in disease. Therefore, it has been classified as a Variant of Uncertain Significance.

Breakthrough Genomics
Classification: Uncertain significance. Review status: criteria provided, single submitter. Criteria: ACMG Guidelines, 2015. Collection method: not provided. Allele origin: germline. Inheritance: Autosomal recessive inheritance. Affected: yes.